The following is an entry in ClinVar:

ClinVar aggregate classification (germline): Uncertain significance (1 of 4 stars; one submission).

Submission:

Labcorp Genetics (formerly Invitae), Labcorp
Classification: Uncertain significance. Last evaluated: 2022-06-27. Review status: criteria provided, single submitter. Criteria: Invitae Variant Classification Sherloc (09022015). Collection method: clinical testing. Allele origin: germline.
Comment: In summary, the available evidence is currently insufficient to determine the role of this variant in disease. Therefore, it has been classified as a Variant of Uncertain Significance. Algorithms developed to predict the effect of sequence changes on RNA splicing suggest that this variant may disrupt the consensus splice site. This variant has not been reported in the literature in individuals affected with VPS13D-related conditions. This variant is not present in population databases (gnomAD no frequency). This sequence change affects codon 309 of the VPS13D mRNA. It is a 'silent' change, meaning that it does not change the encoded amino acid sequence of the VPS13D protein.

NM_015378.4(VPS13D):c.927G>A (p.Val309=)

Gene: VPS13D (vacuolar protein sorting 13 homolog D; plus strand). Cytogenetic location: 1p36.22.
Variant type: single nucleotide variant.
Coding change: c.927G>A on transcript NM_015378.4 (MANE Select); coding-DNA position 927, G replaced by A.
Protein change: p.Val309=; no amino-acid change (valine 309 retained).
Molecular consequence: synonymous variant.
Genome position (GRCh38, 1-based): chr1:12,257,073, G>A. VCF-style: chr1-12257073-G-A. GRCh37 (hg19) VCF-style: chr1-12317130-G-A.
Other names: c.927G>A, p.Val309= (NM_018156.4).
Identifiers: ClinVar variation 2011411 (VCV002011411.4), dbSNP rs2523924114, ClinGen allele CA416121659.